The following is an entry in ClinVar:

ClinVar aggregate classification (germline): Conflicting classifications of pathogenicity. Review status: criteria provided, conflicting classifications (1 of 4 stars). 3 submissions from 3 submitters: Uncertain significance (2); Benign (1). Last evaluated 2026-03-13.

Conditions:
Intellectual developmental disorder, autosomal dominant 6, with or without seizures. Also called: Intellectual disability, autosomal dominant 6; GRIN2B-related developmental delay, intellectual disability and autism spectrum disorder. Identifiers: Orphanet 589547, MedGen C3151411, MONDO:0013509, OMIM 613970.
Developmental and epileptic encephalopathy, 27 (DEE27). Also called: GRIN2B-Related Neurodevelopmental Disorder; Epileptic encephalopathy, early infantile, 27. Identifiers: Orphanet 3451, MedGen C4015316, MONDO:0014505, OMIM 616139.

Allele frequency attached by ClinVar (database versions not stated): gnomAD 0.00001; ExAC 0.00002; TOPMed 0.00004.
gnomAD v4.1: 12 of 1,492,466 alleles (0.0008%); highest among the groups gnomAD compares: Admixed American, 0.01%; no homozygotes.

Submissions (3):

Women's Health and Genetics/Laboratory Corporation of America, LabCorp
Classification: Uncertain significance. Last evaluated: 2026-03-13. Review status: criteria provided, single submitter. Criteria: LabCorp Variant Classification Summary - May 2015. Collection method: clinical testing. Allele origin: germline.
Comment: Variant summary: GRIN2B c.1010+3G>A alters a conserved nucleotide located close to a canonical splice site and therefore could affect mRNA splicing, leading to a significantly altered protein sequence. Consensus agreement among computation tools predict no significant impact on normal splicing. However, these predictions have yet to be confirmed by functional studies. The variant allele was found at a frequency of 8e-06 in 251264 control chromosomes. The available data on variant occurrences in the general population are insufficient to allow any conclusion about variant significance. To our knowledge, no occurrence of c.1010+3G>A in individuals affected with GRIN2B-related conditions and no experimental evidence demonstrating its impact on protein function have been reported. ClinVar contains an entry for this variant (Variation ID: 639886). Based on the evidence outlined above, the variant was classified as uncertain significance.

Labcorp Genetics (formerly Invitae), Labcorp
Classification: Benign for Developmental and epileptic encephalopathy, 27; Intellectual developmental disorder, autosomal dominant 6, with or without seizures. Last evaluated: 2025-05-09. Review status: criteria provided, single submitter. Criteria: Invitae Variant Classification Sherloc (09022015). Collection method: clinical testing. Allele origin: germline.

Laboratorio de Genetica e Diagnostico Molecular, Hospital Israelita Albert Einstein
Classification: Uncertain significance. Last evaluated: 2019-09-18. Review status: criteria provided, single submitter. Criteria: ACMG Guidelines, 2015. Collection method: clinical testing. Allele origin: germline. Affected: yes.
Comment: ACMG classification criteria: PM2

NM_000834.5(GRIN2B):c.1010+3G>A

Gene: GRIN2B (glutamate ionotropic receptor NMDA type subunit 2B; minus strand). Cytogenetic location: 12p13.1.
Variant type: single nucleotide variant.
Coding change: c.1010+3G>A on transcript NM_000834.5 (MANE Select); 3 bases into the intron after coding-DNA position 1010, G replaced by A.
Molecular consequence: intron variant.
Genome position (GRCh38, 1-based): chr12:13,753,314, C>T on the plus strand (G>A on the coding strand, the complement: GRIN2B is on the minus strand). VCF-style: chr12-13753314-C-T. GRCh37 (hg19) VCF-style: chr12-13906248-C-T.
Identifiers: ClinVar variation 639886 (VCV000639886.14), dbSNP rs771246986, ClinGen allele CA6461343.
Genomic context (GRCh38, chr12:13,753,314, plus strand): 5'-ACCCCAGTCTTTGAAGCTCCCCTCTCATCTCCACCATCAATGTGCCCTCTGTTCCACACT[C>T]ACCTATTTAGCATATTGGACTGGTAGATTCTCTTCTCGTGGGTGTTGTAACAACTGCTTT-3'